The following is an entry in ClinVar:

NM_001386936.1(SIPA1L1):c.5298G>C (p.Ser1766=)

Gene: SIPA1L1 (signal induced proliferation associated 1 like 1; plus strand). Cytogenetic location: 14q24.2.
Variant type: single nucleotide variant.
Coding change: c.5298G>C on transcript NM_001386936.1 (MANE Select); coding-DNA position 5298, G replaced by C.
Protein change: p.Ser1766=; no amino-acid change (serine 1766 retained).
Molecular consequence: synonymous variant.
Genome position (GRCh38, 1-based): chr14:71,739,107, G>C. VCF-style: chr14-71739107-G-C. GRCh37 (hg19) VCF-style: chr14-72205824-G-C.
Other names: c.5298G>C, p.Ser1766= (NM_001284245.3); c.5295G>C, p.Ser1765= (NM_001284246.2, NM_001354286.2, NM_001354287.2 and 1 more transcripts); c.5358G>C, p.Ser1786= (NM_001284247.3); c.5361G>C, p.Ser1787= (NM_001354285.2, NM_015556.4); c.3813G>C, p.Ser1271= (NM_001354289.2).
Identifiers: ClinVar variation 2644355 (VCV002644355.24), dbSNP rs142265143, ClinGen allele CA7253616.
Genomic context (GRCh38, chr14:71,739,107, plus strand): 5'-GGAGGTGCAGCACCTGCGAGAGGACAACCTGAGGCTACAGGAGGAGTCCCAGAACGCCTC[G>C]GACAAGCTGAAGAAGTTCACAGAATGGGTCTTCAACACCATAGACATGAGCTAGGGAAGG-3'
Protein context (NP_001373865.1, residues 1756-1776): LRLQEESQNA[Ser1766=]DKLKKFTEWV

ClinVar aggregate classification (germline): Likely benign (1 of 4 stars; one submission).

Allele frequency attached by ClinVar (database versions not stated): 1000 Genomes Project 0.00100; 1000 Genomes Project 30x 0.00109; ESP Exome Variant Server 0.00177.
gnomAD v4.1: 2,959 of 1,613,936 alleles (0.18%); highest among the groups gnomAD compares: Middle Eastern, 1.8%; 14 homozygotes.

Submission:

CeGaT Center for Human Genetics Tuebingen
Classification: Likely benign. Last evaluated: 2022-03-01. Review status: criteria provided, single submitter. Criteria: CeGaT Center For Human Genetics Tuebingen Variant Classification Criteria Version 2. Collection method: clinical testing. Allele origin: germline. Affected: yes. Observed: 1 variant allele.
Comment: SIPA1L1: BP4, BP7